The following is an entry in ClinVar:

NM_000101.4(CYBA):c.26G>A (p.Trp9Ter)

Gene: CYBA (cytochrome b-245 alpha chain; minus strand). Cytogenetic location: 16q24.2.
Variant type: single nucleotide variant.
Coding change: c.26G>A on transcript NM_000101.4 (MANE Select); coding-DNA position 26, G replaced by A.
Protein change: p.Trp9Ter; replaces tryptophan 9 with a stop codon.
Molecular consequence: nonsense.
Genome position (GRCh38, 1-based): chr16:88,650,988, C>T on the plus strand (G>A on the coding strand, the complement: CYBA is on the minus strand). VCF-style: chr16-88650988-C-T. GRCh37 (hg19) VCF-style: chr16-88717396-C-T.
Other names: short protein forms W9*.
Identifiers: ClinVar variation 862425 (VCV000862425.11), dbSNP rs535897564, ClinGen allele CA397067804.

ClinVar aggregate classification (germline): Pathogenic. Review status: criteria provided, multiple submitters, no conflicts (2 of 4 stars). 2 submissions from 2 submitters: Pathogenic (2). Last evaluated 2025-10-30.

Conditions:
Granulomatous disease, chronic, autosomal recessive, cytochrome b-negative. Also called: CGD DUE TO DEFICIENCY OF THE ALPHA SUBUNIT OF CYTOCHROME b; CGD, AUTOSOMAL RECESSIVE CYTOCHROME b-NEGATIVE; CYBA DEFICIENCY; Chronic granulomatous disease, autosomal, due to deficiency of CYBA; GRANULOMATOUS DISEASE, CHRONIC, AUTOSOMAL RECESSIVE, 4. Identifiers: Orphanet 379, MedGen C1856255, MONDO:0009308, OMIM 233690.

Allele frequency attached by ClinVar (database versions not stated): gnomAD exomes below 0.00001.
gnomAD v4.1: 1 of 1,597,330 alleles (0.000063%); highest among the groups gnomAD compares: Non-Finnish European, 0.000085%; no homozygotes.

Submissions (2):

Myriad Genetics, Inc.
Classification: Pathogenic for Granulomatous disease, chronic, autosomal recessive, cytochrome b-negative. Last evaluated: 2025-10-30. Review status: criteria provided, single submitter. Criteria: Myriad Autosomal Dominant, Autosomal Recessive and X-Linked Classification Criteria (2023). Collection method: clinical testing. Allele origin: unknown.
Comment: NM_000101.3(CYBA):c.26G>A(W9*) is a nonsense variant classified as pathogenic in the context of chronic granulomatous disease, CYBA-related. W9* has been observed in a case with relevant disease (PMID: 10910929). Relevant functional assessments of this variant are not available in the literature. W9* has not been observed in referenced population frequency databases. In summary, NM_000101.3(CYBA):c.26G>A(W9*) is a nonsense variant in a gene where loss of function is a known mechanism of disease, is predicted to disrupt protein function, and has been observed more frequently in cases with the relevant disease than in healthy populations. Please note: this variant was assessed in the context of healthy population screening.

Labcorp Genetics (formerly Invitae), Labcorp
Classification: Pathogenic for Granulomatous disease, chronic, autosomal recessive, cytochrome b-negative. Last evaluated: 2025-09-29. Review status: criteria provided, single submitter. Criteria: Invitae Variant Classification Sherloc (09022015). Collection method: clinical testing. Allele origin: germline.
Comment: This sequence change creates a premature translational stop signal (p.Trp9*) in the CYBA gene. It is expected to result in an absent or disrupted protein product. Loss-of-function variants in CYBA are known to be pathogenic (PMID: 10910929, 20167518, 22876374). This variant is not present in population databases (gnomAD no frequency). This premature translational stop signal has been observed in individuals with chronic granulomatous disease (PMID: 10910929, 10914676). ClinVar contains an entry for this variant (Variation ID: 862425). For these reasons, this variant has been classified as Pathogenic.

Literature cited by the submitters: PubMed 10910929 (cited by Myriad Genetics, Inc. and Labcorp Genetics (formerly Invitae), Labcorp); PubMed 20167518 (cited by Labcorp Genetics (formerly Invitae), Labcorp); PubMed 22876374 (cited by Labcorp Genetics (formerly Invitae), Labcorp); PubMed 10914676 (cited by Labcorp Genetics (formerly Invitae), Labcorp).